The following is an entry in ClinVar:

NM_000059.4(BRCA2):c.8675G>A (p.Arg2892Lys)

Gene: BRCA2 (BRCA2 DNA repair associated; plus strand). Cytogenetic location: 13q13.1.
Variant type: single nucleotide variant.
Coding change: c.8675G>A on transcript NM_000059.4 (MANE Select); coding-DNA position 8675, G replaced by A.
Protein change: p.Arg2892Lys; replaces arginine 2892 with lysine.
Molecular consequence: missense variant. On other transcripts: non-coding transcript variant (1).
Genome position (GRCh38, 1-based): chr13:32,376,712, G>A. VCF-style: chr13-32376712-G-A. GRCh37 (hg19) VCF-style: chr13-32950849-G-A.
Other names: c.8579G>A, p.Arg2860Lys (NM_001406719.1); c.8675G>A, p.Arg2892Lys (NM_001406720.1, NM_001432077.1); c.3743G>A, p.Arg1248Lys (NM_001406721.1); c.2258G>A, p.Arg753Lys (NM_001406722.1); short protein forms R1248K, R2860K, R2892K, R753K.
Identifiers: ClinVar variation 4802355 (VCV004802355.1).

ClinVar aggregate classification (germline): Uncertain significance (1 of 4 stars; one submission).

Conditions:
Hereditary breast ovarian cancer syndrome. Also called: Hereditary breast and ovarian cancer syndrome (HBOC); Hereditary breast and ovarian cancer; Breast and ovarian cancer; Hereditary breast and/or ovarian cancer syndrome; BRCA1- and BRCA2-Associated Hereditary Breast and Ovarian Cancer; Hereditary breast and ovarian cancer syndrome. Identifiers: Orphanet 145, MedGen C0677776, MeSH D061325, MONDO:0003582. Disease mechanism: loss of function.

Submission:

Labcorp Genetics (formerly Invitae), Labcorp
Classification: Uncertain significance for Hereditary breast ovarian cancer syndrome. Last evaluated: 2025-12-28. Review status: criteria provided, single submitter. Criteria: Invitae Variant Classification Sherloc (09022015). Collection method: clinical testing. Allele origin: germline.
Comment: This sequence change replaces arginine, which is basic and polar, with lysine, which is basic and polar, at codon 2892 of the BRCA2 protein (p.Arg2892Lys). This variant is not present in population databases (gnomAD no frequency). This variant has not been reported in the literature in individuals affected with BRCA2-related conditions. Invitae Evidence Modeling of protein sequence and biophysical properties (such as structural, functional, and spatial information, amino acid conservation, physicochemical variation, residue mobility, and thermodynamic stability) indicates that this missense variant is not expected to disrupt BRCA2 protein function with a negative predictive value of 95%. In summary, the available evidence is currently insufficient to determine the role of this variant in disease. Therefore, it has been classified as a Variant of Uncertain Significance.